The following is an entry in ClinVar:

ClinVar aggregate classification (germline): Uncertain significance (1 of 4 stars; one submission).

Conditions:
Dyskeratosis congenita. Identifiers: Orphanet 1775, MedGen C0265965, MONDO:0015780.

Submission:

Labcorp Genetics (formerly Invitae), Labcorp
Classification: Uncertain significance for Dyskeratosis congenita. Last evaluated: 2022-07-06. Review status: criteria provided, single submitter. Criteria: Invitae Variant Classification Sherloc (09022015). Collection method: clinical testing. Allele origin: germline.
Comment: In summary, the available evidence is currently insufficient to determine the role of this variant in disease. Therefore, it has been classified as a Variant of Uncertain Significance. Algorithms developed to predict the effect of missense changes on protein structure and function (SIFT, PolyPhen-2, Align-GVGD) all suggest that this variant is likely to be tolerated. ClinVar contains an entry for this variant (Variation ID: 1365279). This variant has not been reported in the literature in individuals affected with TINF2-related conditions. This variant is not present in population databases (gnomAD no frequency). This sequence change replaces proline, which is neutral and non-polar, with threonine, which is neutral and polar, at codon 214 of the TINF2 protein (p.Pro214Thr).

NM_001099274.3(TINF2):c.640C>A (p.Pro214Thr)

Gene: TINF2 (TERF1 interacting nuclear factor 2; minus strand). Cytogenetic location: 14q12.
Variant type: single nucleotide variant.
Coding change: c.640C>A on transcript NM_001099274.3 (MANE Select); coding-DNA position 640, C replaced by A.
Protein change: p.Pro214Thr; replaces proline 214 with threonine.
Molecular consequence: missense variant.
Genome position (GRCh38, 1-based): chr14:24,240,840, G>T on the plus strand (C>A on the coding strand, the complement: TINF2 is on the minus strand). VCF-style: chr14-24240840-G-T. GRCh37 (hg19) VCF-style: chr14-24710046-G-T.
Other names: c.535C>A, p.Pro179Thr (NM_001363668.2); c.640C>A, p.Pro214Thr (NM_012461.3); short protein forms P214T, P179T.
Identifiers: ClinVar variation 1365279 (VCV001365279.9), dbSNP rs372610524, ClinGen allele CA389229679.
Genomic context (GRCh38, chr14:24,240,840, plus strand): 5'-CTTTTGGCAGGGGATTGTGGAGTGCTAGTCTTTGTTGCTGAGGAGGATTCTGTTCCATGG[G>T]CTCAGCCAGGTTCACTGAGTCAGTAACAGAGCACTCTGAAAAAGAAAATGAGGCCCCTTA-3'
Protein context (NP_001092744.1, residues 204-224): SVTDSVNLAE[Pro214Thr]MEQNPPQQQR